The following is an entry in ClinVar:

NM_031263.4(HNRNPK):c.446T>C (p.Leu149Pro)

Genes: HNRNPK (heterogeneous nuclear ribonucleoprotein K; minus strand), HNRNPK-AS1 (HNRNPK antisense RNA 1; plus strand). Cytogenetic location: 9q21.32.
Variant type: single nucleotide variant.
Coding change: c.446T>C on transcript NM_031263.4 (MANE Select); coding-DNA position 446, T replaced by C.
Protein change: p.Leu149Pro; replaces leucine 149 with proline.
Molecular consequence: missense variant.
Genome position (GRCh38, 1-based): chr9:83,973,356, A>G on the plus strand (T>C on the coding strand, the complement: HNRNPK is on the minus strand). VCF-style: chr9-83973356-A-G. GRCh37 (hg19) VCF-style: chr9-86588271-A-G.
Other names: c.374T>C, p.Leu125Pro (NM_001318186.2, NM_001318187.2); c.446T>C, p.Leu149Pro (NM_001318188.2, NM_002140.5, NM_031262.4); short protein forms L125P, L149P.
Identifiers: ClinVar variation 3254999 (VCV003254999.2), dbSNP rs2491985574.
Genomic context (GRCh38, chr9:83,973,356, plus strand): 5'-TCTTTGATTTTAGCACCTTTGACCCCAATAATTCCTCCTGCTAGACTCTGATGAATCAAC[A>G]GCCTCAACTCGCAGTCAAAGTCACTTCCTTTATAGTGTTGGTACTGTGGAGGGAGAATTA-3'
Protein context (NP_112553.1, residues 139-159): KGSDFDCELR[Leu149Pro]LIHQSLAGGI

ClinVar aggregate classification (germline): Likely pathogenic (1 of 4 stars; one submission).

Conditions:
Au-Kline syndrome. Also called: Neurodevelopmental disorder-craniofacial dysmorphism-cardiac defect-hip dysplasia syndrome due to a point mutation; Okamoto syndrome. Identifiers: Orphanet 2729, Orphanet 453499, Orphanet 453504, MedGen C4225274, MONDO:0014700, OMIM 616580.

Submission:

Victorian Clinical Genetics Services, Murdoch Childrens Research Institute
Classification: Likely pathogenic for Au-Kline syndrome. Last evaluated: 2024-09-20. Review status: criteria provided, single submitter. Criteria: ACMG Guidelines, 2015. Collection method: clinical testing. Allele origin: germline. Inheritance: Autosomal dominant inheritance. Affected: yes.
Comment: Based on the classification scheme VCGS_Germline_v1.3.4, this variant is classified as Likely Pathogenic. Following criteria are met: 0102 - Loss of function is a known mechanism of disease in this gene and is associated with Au-Kline syndrome (MIM#616580). The mechanism of missense variants is unclear. (I) 0107 - This gene is associated with autosomal dominant disease. (I) 0200 - Variant is predicted to result in a missense amino acid change from leucine to proline. (I) 0251 - This variant is heterozygous. (I) 0301 - Variant is absent from gnomAD (both v2 and v3). (SP) 0502 - Missense variant with conflicting in silico predictions and uninformative conservation. (I) 0603 - Missense variant in a region that is highly intolerant to missense variation (high constraint region in DECIPHER). (SP) 0705 - No comparable missense variants have previous evidence for pathogenicity. (I) 0807 - This variant has no previous evidence of pathogenicity. (I) 0905 - No published segregation evidence has been identified for this variant. (I) 1007 - No published functional evidence has been identified for this variant. (SP) Legend: (SP) - Supporting pathogenic, (I) - Information, (SB) - Supporting benign